The following is an entry in ClinVar:

NM_000492.4(CFTR):c.3361A>T (p.Thr1121Ser)

Genes: CFTR (CF transmembrane conductance regulator; plus strand), CFTR-AS2 (CFTR antisense RNA 2; minus strand), LOC111674472 (DNase I hypersensitive sites in introns 16 and 17a of CFTR; plus strand). Cytogenetic location: 7q31.2.
Variant type: single nucleotide variant.
Coding change: c.3361A>T on transcript NM_000492.4 (MANE Select); coding-DNA position 3361, A replaced by T.
Protein change: p.Thr1121Ser; replaces threonine 1121 with serine.
Molecular consequence: missense variant.
Genome position (GRCh38, 1-based): chr7:117,611,802, A>T. VCF-style: chr7-117611802-A-T. GRCh37 (hg19) VCF-style: chr7-117251856-A-T.
Other names: short protein forms T1121S.
Identifiers: ClinVar variation 4001799 (VCV004001799.1).

ClinVar aggregate classification (germline): Uncertain significance (1 of 4 stars; one submission).

Conditions:
Cystic fibrosis (CF). Also called: MUCOVISCIDOSIS. Identifiers: Orphanet 586, MedGen C0010674, MONDO:0009061, OMIM 219700. Disease mechanism: loss of function.

Submission:

Ambry Genetics
Classification: Uncertain significance for Cystic fibrosis. Last evaluated: 2025-03-25. Review status: criteria provided, single submitter. Criteria: Ambry Variant Classification Scheme 2023. Collection method: clinical testing. Allele origin: germline.
Comment: The p.T1121S variant (also known as c.3361A>T), located in coding exon 20 of the CFTR gene, results from an A to T substitution at nucleotide position 3361. The threonine at codon 1121 is replaced by serine, an amino acid with similar properties. This amino acid position is conserved. In addition, this alteration is predicted to be deleterious by in silico analysis. Based on the available evidence, the clinical significance of this variant remains unclear.